The following is an entry in ClinVar:

ClinVar aggregate classification (germline): Pathogenic. Review status: criteria provided, multiple submitters, no conflicts (2 of 4 stars). 3 submissions from 3 submitters: Pathogenic (3). Last evaluated 2025-07-23.

Conditions:
Hereditary cancer-predisposing syndrome. Also called: Tumor predisposition; Hereditary Cancer Syndrome; Neoplastic Syndromes, Hereditary; Hereditary neoplastic syndrome. Identifiers: Orphanet 140162, MedGen C0027672, MeSH D009386, MONDO:0015356.
Familial cancer of breast. Also called: Hereditary breast cancer; hereditary breast carcinoma; BREAST CANCER, FAMILIAL. Identifiers: Orphanet 227535, MedGen C0346153, MONDO:0016419, OMIM 114480. Disease mechanism: loss of function.
Ataxia-telangiectasia syndrome (AT). Also called: Cerebello-oculocutaneous telangiectasia; Immunodeficiency with ataxia telangiectasia; Ataxia-telangiectasia, complementation group D; AT, COMPLEMENTATION GROUP C; Ataxia-telangiectasia, complementation group E; LOUIS-BAR SYNDROME. Identifiers: Orphanet 100, MedGen C0004135, MONDO:0008840, OMIM 208900.

Submissions (3):

Labcorp Genetics (formerly Invitae), Labcorp
Classification: Pathogenic for Ataxia-telangiectasia syndrome. Last evaluated: 2025-07-23. Review status: criteria provided, single submitter. Criteria: Invitae Variant Classification Sherloc (09022015). Collection method: clinical testing. Allele origin: germline.
Comment: This sequence change creates a premature translational stop signal (p.Glu758*) in the ATM gene. It is expected to result in an absent or disrupted protein product. Loss-of-function variants in ATM are known to be pathogenic (PMID: 23807571, 25614872). This variant is not present in population databases (gnomAD no frequency). This variant has not been reported in the literature in individuals affected with ATM-related conditions. ClinVar contains an entry for this variant (Variation ID: 453409). Algorithms developed to predict the effect of sequence changes on RNA splicing suggest that this variant may disrupt the consensus splice site. For these reasons, this variant has been classified as Pathogenic.

Myriad Genetics, Inc.
Classification: Pathogenic for Familial cancer of breast. Last evaluated: 2025-07-15. Review status: criteria provided, single submitter. Criteria: Myriad Autosomal Dominant, Autosomal Recessive and X-Linked Classification Criteria (2023). Collection method: clinical testing. Allele origin: unknown.
Comment: This variant is considered pathogenic. This variant creates a termination codon and is predicted to result in premature protein truncation.

Ambry Genetics
Classification: Pathogenic for Hereditary cancer-predisposing syndrome. Last evaluated: 2022-05-27. Review status: criteria provided, single submitter. Criteria: Ambry Variant Classification Scheme 2023. Collection method: clinical testing. Allele origin: germline.
Comment: The p.E758* pathogenic mutation (also known as c.2272G>T), located in coding exon 14 of the ATM gene, results from a G to T substitution at nucleotide position 2272. This changes the amino acid from a glutamic acid to a stop codon within coding exon 14. This alteration is expected to result in loss of function by premature protein truncation or nonsense-mediated mRNA decay. As such, this alteration is interpreted as a disease-causing mutation.

Literature cited by the submitters: PubMed 23807571 (cited by Labcorp Genetics (formerly Invitae), Labcorp); PubMed 25614872 (cited by Labcorp Genetics (formerly Invitae), Labcorp).

NM_000051.4(ATM):c.2272G>T (p.Glu758Ter)

Gene: ATM (ATM serine/threonine kinase; plus strand). Cytogenetic location: 11q22.3.
Variant type: single nucleotide variant.
Coding change: c.2272G>T on transcript NM_000051.4 (MANE Select); coding-DNA position 2272, G replaced by T.
Protein change: p.Glu758Ter; replaces glutamic acid 758 with a stop codon.
Molecular consequence: nonsense.
Genome position (GRCh38, 1-based): chr11:108,257,502, G>T. VCF-style: chr11-108257502-G-T. GRCh37 (hg19) VCF-style: chr11-108128229-G-T.
Other names: c.2272G>T, p.Glu758Ter (NM_001351834.2); short protein forms E758*.
Identifiers: ClinVar variation 453409 (VCV000453409.13), dbSNP rs1555075658, ClinGen allele CA382539621.
Genomic context (GRCh38, chr11:108,257,502, plus strand): 5'-TTTAACTGGAATTTGCATTTTTCCTTCTATTCACAATAGTCTCTAATGCAATGTGCAGGA[G>T]AAAGTATCACTCTGTTTAAAAATAAGACAAATGAGGAATTCAGAATTGGTTCCTTGAGAA-3'